The following is an entry in ClinVar:

ClinVar aggregate classification (germline): Uncertain significance (1 of 4 stars; one submission).

Conditions:
Compton-North congenital myopathy (CMYO12). Identifiers: Orphanet 210163, MedGen C2675527, MONDO:0012929, OMIM 612540.

Allele frequency attached by ClinVar (database versions not stated): gnomAD 0.00001; TOPMed 0.00001.
gnomAD v4.1: 2 of 1,613,828 alleles (0.00012%); highest among the groups gnomAD compares: Non-Finnish European, 0.00017%; no homozygotes.

Submission:

Labcorp Genetics (formerly Invitae), Labcorp
Classification: Uncertain significance for Compton-North congenital myopathy. Last evaluated: 2022-12-25. Review status: criteria provided, single submitter. Criteria: Invitae Variant Classification Sherloc (09022015). Collection method: clinical testing. Allele origin: germline.
Comment: ClinVar contains an entry for this variant (Variation ID: 1431739). In summary, the available evidence is currently insufficient to determine the role of this variant in disease. Therefore, it has been classified as a Variant of Uncertain Significance. Algorithms developed to predict the effect of missense changes on protein structure and function are either unavailable or do not agree on the potential impact of this missense change (SIFT: "Deleterious"; PolyPhen-2: "Probably Damaging"; Align-GVGD: "Class C15"). This variant has not been reported in the literature in individuals affected with CNTN1-related conditions. This variant is not present in population databases (gnomAD no frequency). This sequence change replaces glycine, which is neutral and non-polar, with cysteine, which is neutral and slightly polar, at codon 429 of the CNTN1 protein (p.Gly429Cys).

NM_001843.4(CNTN1):c.1285G>T (p.Gly429Cys)

Gene: CNTN1 (contactin 1; plus strand). Cytogenetic location: 12q12.
Variant type: single nucleotide variant.
Coding change: c.1285G>T on transcript NM_001843.4 (MANE Select); coding-DNA position 1285, G replaced by T.
Protein change: p.Gly429Cys; replaces glycine 429 with cysteine.
Molecular consequence: missense variant.
Genome position (GRCh38, 1-based): chr12:40,939,391, G>T. VCF-style: chr12-40939391-G-T. GRCh37 (hg19) VCF-style: chr12-41333193-G-T.
Other names: c.1285G>T, p.Gly429Cys (NM_001256063.2, NM_001256064.2); c.1252G>T, p.Gly418Cys (NM_175038.2); short protein forms G429C, G418C.
Identifiers: ClinVar variation 1431739 (VCV001431739.6), dbSNP rs1465154174, ClinGen allele CA384424270.